The following is an entry in ClinVar:

ClinVar aggregate classification (germline): Uncertain significance (1 of 4 stars; one submission).

gnomAD v4.1: 2 of 1,614,184 alleles (0.00012%); highest among the groups gnomAD compares: South Asian, 0.0011%; no homozygotes.

Submission:

Labcorp Genetics (formerly Invitae), Labcorp
Classification: Uncertain significance. Last evaluated: 2025-04-08. Review status: criteria provided, single submitter. Criteria: Invitae Variant Classification Sherloc (09022015). Collection method: clinical testing. Allele origin: germline.
Comment: This sequence change replaces aspartic acid, which is acidic and polar, with tyrosine, which is neutral and polar, at codon 1165 of the CUL7 protein (p.Asp1165Tyr). This variant is not present in population databases (gnomAD no frequency). This variant has not been reported in the literature in individuals affected with CUL7-related conditions. Invitae Evidence Modeling of protein sequence and biophysical properties (such as structural, functional, and spatial information, amino acid conservation, physicochemical variation, residue mobility, and thermodynamic stability) indicates that this missense variant is not expected to disrupt CUL7 protein function with a negative predictive value of 80%. In summary, the available evidence is currently insufficient to determine the role of this variant in disease. Therefore, it has been classified as a Variant of Uncertain Significance.

NM_014780.5(CUL7):c.3493G>T (p.Asp1165Tyr)

Gene: CUL7 (cullin 7; minus strand). Cytogenetic location: 6p21.1.
Variant type: single nucleotide variant.
Coding change: c.3493G>T on transcript NM_014780.5 (MANE Select); coding-DNA position 3493, G replaced by T.
Protein change: p.Asp1165Tyr; replaces aspartic acid 1165 with tyrosine.
Molecular consequence: missense variant.
Genome position (GRCh38, 1-based): chr6:43,042,954, C>A on the plus strand (G>T on the coding strand, the complement: CUL7 is on the minus strand). VCF-style: chr6-43042954-C-A. GRCh37 (hg19) VCF-style: chr6-43010692-C-A.
Other names: c.3589G>T, p.Asp1197Tyr (NM_001168370.2, NM_001374872.1); c.3493G>T, p.Asp1165Tyr (NM_001374873.1); c.3490G>T, p.Asp1164Tyr (NM_001374874.1); short protein forms D1164Y, D1165Y, D1197Y.
Identifiers: ClinVar variation 4808604 (VCV004808604.1).